The following is an entry in ClinVar:

NM_017934.7(PHIP):c.4618C>T (p.Pro1540Ser)

Genes: IRAK1BP1 (interleukin 1 receptor associated kinase 1 binding protein 1; plus strand), PHIP (PHIP subunit of CUL4-Ring ligase complex; minus strand). Cytogenetic location: 6q14.1.
Variant type: single nucleotide variant.
Coding change: c.4618C>T on transcript NM_017934.7 (MANE Select); coding-DNA position 4618, C replaced by T.
Protein change: p.Pro1540Ser; replaces proline 1540 with serine.
Molecular consequence: missense variant.
Genome position (GRCh38, 1-based): chr6:78,946,013, G>A on the plus strand (C>T on the coding strand, the complement: PHIP is on the minus strand). VCF-style: chr6-78946013-G-A. GRCh37 (hg19) VCF-style: chr6-79655730-G-A.
Other names: short protein forms P1540S.
Identifiers: ClinVar variation 4998107 (VCV004998107.1).

ClinVar aggregate classification (germline): Uncertain significance (1 of 4 stars; one submission).

Conditions:
PHIP-related disorder. Also called: PHIP-related condition; PHIP-related disorders.

gnomAD v4.1: 1 of 1,605,518 alleles (0.000062%); highest among the groups gnomAD compares: South Asian, 0.0011%; no homozygotes.

Submission:

PreventionGenetics, part of Exact Sciences
Classification: Uncertain significance for PHIP-related condition. Last evaluated: 2024-10-19. Review status: criteria provided, single submitter. Criteria: ACMG Guidelines, 2015. Collection method: clinical testing. Allele origin: germline.
Comment: The PHIP c.4618C>T variant is predicted to result in the amino acid substitution p.Pro1540Ser. To our knowledge, this variant has not been reported in the literature or in a large population database (gnomAD), indicating this variant is rare. At this time, the clinical significance of this variant is uncertain due to the absence of conclusive functional and genetic evidence.